The following is an entry in ClinVar:

ClinVar aggregate classification (germline): Likely benign (1 of 4 stars; one submission).

gnomAD v4.1: 10 of 277,257 alleles (0.0036%); highest among the groups gnomAD compares: South Asian, 0.22%; no homozygotes.

Submission:

CeGaT Center for Human Genetics Tuebingen
Classification: Likely benign. Last evaluated: 2026-03-01. Review status: criteria provided, single submitter. Criteria: CeGaT Center For Human Genetics Tuebingen Variant Classification Criteria Version 2. Collection method: clinical testing. Allele origin: germline. Affected: yes. Observed: 1 variant allele.
Comment: HUWE1: BS2

NM_031407.7(HUWE1):c.-162-5T>G

Gene: HUWE1 (HECT, UBA and WWE domain containing E3 ubiquitin protein ligase 1; minus strand). Cytogenetic location: Xp11.22.
Variant type: single nucleotide variant.
Coding change: c.-162-5T>G on transcript NM_031407.7 (MANE Select); 5 bases into the intron before 162 bases upstream of the start codon, T replaced by G.
Molecular consequence: intron variant.
Genome position (GRCh38, 1-based): chrX:53,680,191, A>C on the plus strand (T>G on the coding strand, the complement: HUWE1 is on the minus strand). VCF-style: chrX-53680191-A-C. GRCh37 (hg19) VCF-style: chrX-53707144-A-C.
Other names: c.-162-5T>G (NM_001441048.1, NM_001441051.1, NM_001441049.1 and 8 more transcripts).
Identifiers: ClinVar variation 4822745 (VCV004822745.4).